The following is an entry in ClinVar:

ClinVar aggregate classification (germline): Uncertain significance (1 of 4 stars; one submission).

Conditions:
Hereditary cancer-predisposing syndrome. Also called: Neoplastic Syndromes, Hereditary; Tumor predisposition; Hereditary Cancer Syndrome; Hereditary neoplastic syndrome. Identifiers: Orphanet 140162, MedGen C0027672, MeSH D009386, MONDO:0015356.

Submission:

Ambry Genetics
Classification: Uncertain significance for Hereditary cancer-predisposing syndrome. Last evaluated: 2025-12-21. Review status: criteria provided, single submitter. Criteria: Ambry Variant Classification Scheme 2023. Collection method: clinical testing. Allele origin: germline.
Comment: The p.Q801H variant (also known as c.2403G>T), located in coding exon 16 of the CTNNA1 gene, results from a G to T substitution at nucleotide position 2403. The glutamine at codon 801 is replaced by histidine, an amino acid with highly similar properties. This amino acid position is conserved. In addition, the in silico prediction for this alteration is inconclusive. Based on the available evidence, the clinical significance of this variant remains unclear.

NM_001903.5(CTNNA1):c.2403G>T (p.Gln801His)

Gene: CTNNA1 (catenin alpha 1; plus strand). Cytogenetic location: 5q31.2.
Variant type: single nucleotide variant.
Coding change: c.2403G>T on transcript NM_001903.5 (MANE Select); coding-DNA position 2403, G replaced by T.
Protein change: p.Gln801His; replaces glutamine 801 with histidine.
Molecular consequence: missense variant. On other transcripts: intron variant (1).
Genome position (GRCh38, 1-based): chr5:138,932,682, G>T. VCF-style: chr5-138932682-G-T. GRCh37 (hg19) VCF-style: chr5-138268371-G-T.
Other names: c.1293G>T, p.Gln431His (NM_001323998.1, NM_001323999.1, NM_001324000.1 and 16 more transcripts); c.954G>T, p.Gln318His (NM_001324006.1, NM_001324007.1, NM_001324008.1 and 2 more transcripts); c.2403G>T, p.Gln801His (NM_001290307.3, NM_001323982.2, NM_001323983.1 and 2 more transcripts); c.2094G>T, p.Gln698His (NM_001290309.3); c.2034G>T, p.Gln678His (NM_001290310.3); c.2310G>T, p.Gln770His (NM_001323986.2); c.1200G>T, p.Gln400His (NM_001324011.1); c.1050G>T, p.Gln350His (NM_001324012.1, NM_001324013.1); and 1 more; short protein forms Q770H, Q801H, Q318H, Q698H, Q400H, Q431H, Q350H, Q678H.
Identifiers: ClinVar variation 4841647 (VCV004841647.1).
Genomic context (GRCh38, chr5:138,932,682, plus strand): 5'-ACGCATCGCCCTCTACTGCCACCAGCTGAACATCTGCAGCAAGGTCAAGGCCGAGGTGCA[G>T]AATCTCGGCGGGGAGCTTGTTGTCTCTGGGGTAAGCATTAGCTGAACAAAAAGAGGGCCA-3'
Protein context (NP_001894.2, residues 791-811): NICSKVKAEV[Gln801His]NLGGELVVSG